The following is an entry in ClinVar:

ClinVar aggregate classification (germline): Conflicting classifications of pathogenicity. Review status: criteria provided, conflicting classifications (1 of 4 stars). 2 submissions from 2 submitters: Likely pathogenic (1); Uncertain significance (1). Last evaluated 2020-08-10.

Conditions:
Deafness, autosomal dominant 39, with dentinogenesis imperfecta 1. Also called: DFNA39/DENTINOGENESIS IMPERFECTA 1 SYNDROME; DFNA39/DGI1 SYNDROME; DGI1/DFNA39 SYNDROME. Identifiers: Orphanet 166260, MedGen C1854146, MONDO:0011571, OMIM 605594.

Submissions (2):

GeneDx
Classification: Uncertain significance. Last evaluated: 2020-08-10. Review status: criteria provided, single submitter. Criteria: GeneDx Variant Classification Process June 2021. Collection method: clinical testing. Allele origin: germline. Affected: yes.
Comment: Frameshift variant predicted to result in protein truncation or nonsense mediated decay in a gene for which loss-of-function is a known mechanism of disease; Has not been previously published as pathogenic or benign to our knowledge

Institute of Human Genetics, University of Goettingen
Classification: Likely pathogenic for Deafness, autosomal dominant 39, with dentinogenesis imperfecta 1. Last evaluated: 2020-02-11. Review status: criteria provided, single submitter. Criteria: ACMG Guidelines, 2015. Collection method: clinical testing. Allele origin: unknown. Inheritance: Autosomal dominant inheritance. Affected: yes. Observed: 1 heterozygote.
Comment: The DSPP p.Gly123Glufs*30-variant found in our clinic is a combination of two other variants already reported in gnomAD & dbSNP (g.88533705_88533706ins25, c.367_368ins25, p.Gly123Glufs*30 (rs751792838) & g.88533709T>A, c.371T>A, p.Ile124Lys (rs768120028)), which were found at a population frequency < 0.003%. Because the patient presented with a phenotype highly matching DSPP associated deafness (autosomal dominant, type 39, with dentinogenesis, OMIM: 605594) and because the variant induces a protein length change as a result of an out of frame deletion in a non-repeat region, we consider this variant to be likely pathogenic.

NM_014208.3(DSPP):c.368_371delinsAACATATGTTCATCATGGGAAAGAAGAAA (p.Gly123fs)

Genes: DMP1-AS1 (DMP1 and DSPP antisense RNA 1; minus strand), DSPP (dentin sialophosphoprotein; plus strand). Cytogenetic location: 4q22.1.
Variant type: Indel.
Coding change: c.368_371delinsAACATATGTTCATCATGGGAAAGAAGAAA on transcript NM_014208.3 (MANE Select); coding-DNA positions 368 to 371, GAAT replaced by AACATATGTTCATCATGGGAAAGAAGAAA.
Protein change: p.Gly123fs; shifts the reading frame from glycine 123.
Molecular consequence: frameshift variant.
Genome position (GRCh38, 1-based): chr4:87,612,554-87,612,557, GAAT replaced by AACATATGTTCATCATGGGAAAGAAGAAA. GRCh37 (hg19): chr4:88,533,706-88,533,709.
Other names: c.368_371delGAATinsAACATATGTTCATCATGGGAAAGAAGAAA (NM_014208.3); short protein forms G123fs.
Identifiers: ClinVar variation 834048 (VCV000834048.5), dbSNP rs1727756750, ClinGen allele CA916082649.